The following is an entry in ClinVar:

NM_004364.5(CEBPA):c.72C>A (p.His24Gln)

Gene: CEBPA (CCAAT enhancer binding protein alpha; minus strand). Cytogenetic location: 19q13.11.
Variant type: single nucleotide variant.
Coding change: c.72C>A on transcript NM_004364.5 (MANE Select); coding-DNA position 72, C replaced by A.
Protein change: p.His24Gln; replaces histidine 24 with glutamine.
Molecular consequence: missense variant. On other transcripts: 5 prime UTR variant (1).
Genome position (GRCh38, 1-based): chr19:33,302,343, G>T on the plus strand (C>A on the coding strand, the complement: CEBPA is on the minus strand). VCF-style: chr19-33302343-G-T. GRCh37 (hg19) VCF-style: chr19-33793249-G-T.
Other names: c.72C>A (NM_004364.3); c.-286C>A (NM_001285829.2); c.177C>A, p.His59Gln (NM_001287424.2); c.30C>A, p.His10Gln (NM_001287435.2); short protein forms H24Q, H59Q, H10Q.
Identifiers: ClinVar variation 526816 (VCV000526816.8), dbSNP rs1555742309, ClinGen allele CA405275736.

ClinVar aggregate classification (germline): Conflicting classifications of pathogenicity. Review status: criteria provided, conflicting classifications (1 of 4 stars). 2 submissions from 2 submitters: Uncertain significance (1); Likely benign (1). Last evaluated 2026-03-31.

Conditions:
Acute myeloid leukemia (AML). Also called: Leukemia, acute myeloid, somatic; Leukemia, acute myelogenous, somatic; Acute myeloid leukemia, adult; AML adult; Acute non-lymphocytic leukemia; Acute granulocytic leukemia. Identifiers: Orphanet 519, MedGen C0023467, MeSH D015470, MONDO:0018874, OMIM 601626, HP:0004808. Disease mechanism: Constitutively activated FLT3.
Inborn genetic diseases. Identifiers: MedGen C0950123, MeSH D030342.

Allele frequency attached by ClinVar (database versions not stated): TOPMed below 0.00001.
gnomAD v4.1: 1 of 1,349,752 alleles (0.000074%); no homozygotes.

Submissions (2):

Ambry Genetics
Classification: Likely benign for Inborn genetic diseases. Last evaluated: 2026-03-31. Review status: criteria provided, single submitter. Criteria: Ambry Variant Classification Scheme 2023. Collection method: clinical testing. Allele origin: germline.

Labcorp Genetics (formerly Invitae), Labcorp
Classification: Uncertain significance for Acute myeloid leukemia. Last evaluated: 2024-05-05. Review status: criteria provided, single submitter. Criteria: Invitae Variant Classification Sherloc (09022015). Collection method: clinical testing. Allele origin: germline.
Comment: This sequence change replaces histidine, which is basic and polar, with glutamine, which is neutral and polar, at codon 24 of the CEBPA protein (p.His24Gln). This variant is not present in population databases (gnomAD no frequency). This variant has not been reported in the literature in individuals affected with CEBPA-related conditions. ClinVar contains an entry for this variant (Variation ID: 526816). An algorithm developed to predict the effect of missense changes on protein structure and function (PolyPhen-2) suggests that this variant is likely to be tolerated. In summary, the available evidence is currently insufficient to determine the role of this variant in disease. Therefore, it has been classified as a Variant of Uncertain Significance.